The following is an entry in ClinVar:

ClinVar aggregate classification (germline): Likely pathogenic (1 of 4 stars; one submission).

Conditions:
Beta-D-mannosidosis (MANSB). Also called: MANNOSIDOSIS, BETA A, LYSOSOMAL; BETA-MANNOSIDASE DEFICIENCY; Beta-Mannosidosis; LYSOSOMAL BETA-MANNOSIDASE DEFICIENCY. Identifiers: Orphanet 118, MedGen C4048196, MONDO:0009562, OMIM 248510.

Allele frequency attached by ClinVar (database versions not stated): gnomAD exomes 0.00001.

Submission:

Labcorp Genetics (formerly Invitae), Labcorp
Classification: Likely pathogenic for Beta-D-mannosidosis. Last evaluated: 2022-02-23. Review status: criteria provided, single submitter. Criteria: Invitae Variant Classification Sherloc (09022015). Collection method: clinical testing. Allele origin: germline.
Comment: In summary, the currently available evidence indicates that the variant is pathogenic, but additional data are needed to prove that conclusively. Therefore, this variant has been classified as Likely Pathogenic. Experimental studies and prediction algorithms are not available or were not evaluated, and the functional significance of this variant is currently unknown. ClinVar contains an entry for this variant (Variation ID: 542165). This sequence change creates a premature translational stop signal (p.Thr785Leufs*27) in the MANBA gene. While this is not anticipated to result in nonsense mediated decay, it is expected to disrupt the last 95 amino acid(s) of the MANBA protein. This variant is present in population databases (no rsID available, gnomAD 0.002%). This premature translational stop signal has been observed in individual(s) with mannosidosis (Invitae). In at least one individual the data is consistent with being in trans (on the opposite chromosome) from a pathogenic variant.

NM_005908.4(MANBA):c.2352_2356del (p.Thr785fs)

Gene: MANBA (mannosidase beta; minus strand). Cytogenetic location: 4q24.
Variant type: Deletion.
Coding change: c.2352_2356del on transcript NM_005908.4 (MANE Select); coding-DNA positions 2352 to 2356, 5 bases deleted (GACCA; older notation c.2352_2356delGACCA).
Protein change: p.Thr785fs; shifts the reading frame from threonine 785.
Molecular consequence: frameshift variant.
Genome position (GRCh38, 1-based): chr4:102,634,847-102,634,851, TGGTC deleted on the plus strand (GACCA on the coding strand, the reverse complement: MANBA is on the minus strand). VCF-style (leftmost placement, unchanged base first): chr4-102634846-TTGGTC-T. GRCh37 (hg19) VCF-style: chr4-103556003-TTGGTC-T.
Other names: short protein forms T785fs.
Identifiers: ClinVar variation 542165 (VCV000542165.4), dbSNP rs1341763493, ClinGen allele CA440807733.